The following is an entry in ClinVar:

NM_021830.5(TWNK):c.954C>G (p.Ala318=)

Gene: TWNK (twinkle mtDNA helicase; plus strand). Cytogenetic location: 10q24.31.
Variant type: single nucleotide variant.
Coding change: c.954C>G on transcript NM_021830.5 (MANE Select); coding-DNA position 954, C replaced by G.
Protein change: p.Ala318=; no amino-acid change (alanine 318 retained).
Molecular consequence: synonymous variant. On other transcripts: non-coding transcript variant (4), intron variant (3).
Genome position (GRCh38, 1-based): chr10:100,989,164, C>G. VCF-style: chr10-100989164-C-G. GRCh37 (hg19) VCF-style: chr10-102748921-C-G.
Other names: p.Ala318=; c.-119-480C>G (NM_001163814.2, NM_001163813.2); c.-57-542C>G (NM_001368275.1); c.954C>G, p.Ala318= (NM_001163812.2).
Identifiers: ClinVar variation 2962029 (VCV002962029.8), dbSNP rs373662534, ClinGen allele CA5653144.
Genomic context (GRCh38, chr10:100,989,164, plus strand): 5'-GGAACAGTTCCGGCGGATTGTATTCTGGTTGGGGGATGACCTTCGGTCCTGGGAAGCCGC[C>G]AAGTTGTTTGCACGAAAACTGAACCCCAAACGATGCTTCTTGGTGCGACCAGGAGACCAG-3'
Protein context (NP_068602.2, residues 308-328): LGDDLRSWEA[Ala318=]KLFARKLNPK

ClinVar aggregate classification (germline): Conflicting classifications of pathogenicity. Review status: criteria provided, conflicting classifications (1 of 4 stars). 3 submissions from 3 submitters: Uncertain significance (1); Likely benign (2). Last evaluated 2026-03-01.

Allele frequency attached by ClinVar (database versions not stated): TOPMed 0.00002; gnomAD 0.00004; ExAC 0.00005; gnomAD exomes 0.00007; ESP Exome Variant Server 0.00008.
gnomAD v4.1: 108 of 1,612,738 alleles (0.0067%); highest among the groups gnomAD compares: Non-Finnish European, 0.0078%; no homozygotes.

Submissions (3):

CeGaT Center for Human Genetics Tuebingen
Classification: Uncertain significance. Last evaluated: 2026-03-01. Review status: criteria provided, single submitter. Criteria: CeGaT Center For Human Genetics Tuebingen Variant Classification Criteria Version 2. Collection method: clinical testing. Allele origin: germline. Affected: yes. Observed: 1 variant allele.
Comment: TWNK: PM2:Supporting, BP4

Mayo Clinic Laboratories, Mayo Clinic
Classification: Likely benign. Last evaluated: 2025-07-14. Review status: criteria provided, single submitter. Criteria: ACMG Guidelines, 2015. Collection method: clinical testing. Allele origin: germline. Observed: 1 variant allele.
Comment: BP4, BP7

Labcorp Genetics (formerly Invitae), Labcorp
Classification: Likely benign. Last evaluated: 2025-07-10. Review status: criteria provided, single submitter. Criteria: Invitae Variant Classification Sherloc (09022015). Collection method: clinical testing. Allele origin: germline.